The following is an entry in ClinVar:

ClinVar aggregate classification (germline): Uncertain significance. Review status: criteria provided, multiple submitters, no conflicts (2 of 4 stars). 3 submissions from 3 submitters: Uncertain significance (2). 1 of the submissions does not count toward it. Last evaluated 2026-01-12.

Conditions:
Nonsyndromic hearing impairment.

Allele frequency attached by ClinVar (database versions not stated): ExAC 0.00001; gnomAD 0.00002; gnomAD exomes 0.00002 and 0.00003; TOPMed 0.00002.
gnomAD v4.1: 29 of 1,613,268 alleles (0.0018%); highest among the groups gnomAD compares: Admixed American, 0.0083%; no homozygotes.

Submissions (3):

Labcorp Genetics (formerly Invitae), Labcorp
Classification: Uncertain significance. Last evaluated: 2026-01-12. Review status: criteria provided, single submitter. Criteria: Invitae Variant Classification Sherloc (09022015). Collection method: clinical testing. Allele origin: germline.
Comment: This sequence change replaces proline, which is neutral and non-polar, with leucine, which is neutral and non-polar, at codon 775 of the MPDZ protein (p.Pro775Leu). This variant is present in population databases (rs777767394, gnomAD 0.01%). This missense change has been observed in individual(s) with deafness (PMID: 34135477). ClinVar contains an entry for this variant (Variation ID: 995976). An algorithm developed to predict the effect of missense changes on protein structure and function (PolyPhen-2) suggests that this variant is likely to be tolerated. In summary, the available evidence is currently insufficient to determine the role of this variant in disease. Therefore, it has been classified as a Variant of Uncertain Significance.

Blueprint Genetics
Classification: Uncertain significance. Last evaluated: 2023-12-22. Review status: criteria provided, single submitter. Criteria: ACMG Guidelines, 2015. Collection method: clinical testing. Allele origin: germline.

Center for Statistical Genetics, Columbia University
Classification: Uncertain significance for Nonsyndromic hearing impairment. Review status: no assertion criteria provided. Collection method: clinical testing. Allele origin: inherited. Inheritance: Autosomal recessive inheritance. Affected: yes. Observed: 2 variant alleles, 2 homozygotes. Clinical features observed: Sensorineural hearing loss disorder (HP:0000407). Not counted in ClinVar's aggregate classification.

Literature cited by the submitters: PubMed 34135477 (cited by Labcorp Genetics (formerly Invitae), Labcorp).

NM_001378778.1(MPDZ):c.2324C>T (p.Pro775Leu)

Gene: MPDZ (multiple PDZ domain crumbs cell polarity complex component; minus strand). Cytogenetic location: 9p23.
Variant type: single nucleotide variant.
Coding change: c.2324C>T on transcript NM_001378778.1 (MANE Select); coding-DNA position 2324, C replaced by T.
Protein change: p.Pro775Leu; replaces proline 775 with leucine.
Molecular consequence: missense variant.
Genome position (GRCh38, 1-based): chr9:13,188,824, G>A on the plus strand (C>T on the coding strand, the complement: MPDZ is on the minus strand). VCF-style: chr9-13188824-G-A. GRCh37 (hg19) VCF-style: chr9-13188823-G-A.
Other names: c.2324C>T, p.Pro775Leu (NM_001261406.2, NM_001261407.2, NM_001330637.2 and 14 more transcripts); short protein forms P775L.
Identifiers: ClinVar variation 995976 (VCV000995976.7), dbSNP rs777767394, ClinGen allele CA4987503.